The following is an entry in ClinVar:

NM_006348.5(COG5):c.1410dup (p.Pro471fs)

Gene: COG5 (component of oligomeric golgi complex 5; minus strand). Cytogenetic location: 7q22.3.
Variant type: Duplication.
Coding change: c.1410dup on transcript NM_006348.5 (MANE Select); coding-DNA position 1410, one base duplicated (T; older notation c.1410dupT).
Protein change: p.Pro471fs; shifts the reading frame from proline 471.
Molecular consequence: frameshift variant. On other transcripts: intron variant (1).
Genome position (GRCh38, 1-based): chr7:107,283,636, A duplicated on the plus strand (T on the coding strand, the reverse complement: COG5 is on the minus strand); the first of 5 consecutive A bases (chr7:107,283,636-107,283,640); duplicating any one gives the same sequence. VCF-style (leftmost placement, unchanged base first): chr7-107283635-G-GA. GRCh37 (hg19) VCF-style: chr7-106924080-G-GA.
Other names: c.1410dup, p.Pro471fs (NM_001161520.2, NM_001379512.1, NM_001379513.1 and 2 more transcripts); c.840dup, p.Pro281fs (NM_001379515.1); c.696dup, p.Pro233fs (NM_001379516.1); c.1314-2237dup (NM_001379511.1); short protein forms P233fs, P281fs, P471fs.
Identifiers: ClinVar variation 2014849 (VCV002014849.4), dbSNP rs2536102929, ClinGen allele CA2580076121.

ClinVar aggregate classification (germline): Pathogenic (1 of 4 stars; one submission).

Conditions:
COG5-congenital disorder of glycosylation. Also called: CDG IIi; CONGENITAL DISORDER OF GLYCOSYLATION, TYPE IIi; COG5-CDG. Identifiers: Orphanet 263487, MedGen C3150876, MONDO:0013325, OMIM 613612.

Submission:

Labcorp Genetics (formerly Invitae), Labcorp
Classification: Pathogenic for COG5-congenital disorder of glycosylation. Last evaluated: 2024-11-11. Review status: criteria provided, single submitter. Criteria: Invitae Variant Classification Sherloc (09022015). Collection method: clinical testing. Allele origin: germline.
Comment: This sequence change creates a premature translational stop signal (p.Pro502Serfs*6) in the COG5 gene. It is expected to result in an absent or disrupted protein product. Loss-of-function variants in COG5 are known to be pathogenic (PMID: 23228021). This variant is not present in population databases (gnomAD no frequency). This variant has not been reported in the literature in individuals affected with COG5-related conditions. ClinVar contains an entry for this variant (Variation ID: 2014849). For these reasons, this variant has been classified as Pathogenic.

Literature cited by the submitters: PubMed 23228021.